The following is an entry in ClinVar:

ClinVar aggregate classification (germline): Uncertain significance (1 of 4 stars; one submission).

Allele frequency attached by ClinVar (database versions not stated): gnomAD exomes below 0.00001 and 0.00001; TOPMed 0.00003; gnomAD 0.00005.

Submission:

Labcorp Genetics (formerly Invitae), Labcorp
Classification: Uncertain significance. Last evaluated: 2021-06-13. Review status: criteria provided, single submitter. Criteria: Invitae Variant Classification Sherloc (09022015). Collection method: clinical testing. Allele origin: germline.
Comment: This sequence change creates a premature translational stop signal (p.Ile508Serfs*9) in the GSN gene. It is expected to result in an absent or disrupted protein product. However, the current clinical and genetic evidence is not sufficient to establish whether loss-of-function variants in GSN cause disease. The frequency data for this variant in the population databases is considered unreliable, as metrics indicate poor data quality at this position in the ExAC database. This variant has not been reported in the literature in individuals with GSN-related conditions. Algorithms developed to predict the effect of sequence changes on RNA splicing suggest that this variant may create or strengthen a splice site, but this prediction has not been confirmed by published transcriptional studies. In summary, the available evidence is currently insufficient to determine the role of this variant in disease. Therefore, it has been classified as a Variant of Uncertain Significance.

NM_198252.3(GSN):c.1366_1369dup (p.Ile457fs)

Gene: GSN (gelsolin; plus strand). Cytogenetic location: 9q33.2.
Variant type: Duplication.
Coding change: c.1366_1369dup on transcript NM_198252.3 (MANE Select); coding-DNA positions 1366 to 1369, 4 bases duplicated (GCCA; older notation c.1366_1369dupGCCA).
Protein change: p.Ile457fs; shifts the reading frame from isoleucine 457.
Molecular consequence: frameshift variant.
Genome position (GRCh38, 1-based): chr9:121,324,594-121,324,597, GCCA duplicated. VCF-style (leftmost placement, unchanged base first): chr9-121324593-T-TGCCA. GRCh37 (hg19) VCF-style: chr9-124086871-T-TGCCA.
Other names: c.1519_1522dup, p.Ile508fs (NM_000177.5); c.1366_1369dup, p.Ile457fs (NM_001127662.2, NM_001127664.2, NM_001127665.2 and 10 more transcripts); c.1474_1477dup, p.Ile493fs (NM_001127663.2); c.1399_1402dup, p.Ile468fs (NM_001127666.2, NM_001127667.2, NM_001353063.2 and 13 more transcripts); c.1417_1420dup, p.Ile474fs (NM_001258029.2); c.1390_1393dup, p.Ile465fs (NM_001258030.2); c.1438_1441dup, p.Ile481fs (NM_001353076.2); c.712_715dup, p.Ile239fs (NM_001353078.2); short protein forms I493fs, I239fs, I465fs, I474fs, I481fs, I468fs, I457fs, I508fs.
Identifiers: ClinVar variation 1352261 (VCV001352261.6), dbSNP rs751680367, ClinGen allele CA5221226.